The following is an entry in ClinVar:

NM_006208.3(ENPP1):c.2252del (p.Gly751fs)

Gene: ENPP1 (ectonucleotide pyrophosphatase/phosphodiesterase 1; plus strand). Cytogenetic location: 6q23.2.
Variant type: Deletion.
Coding change: c.2252del on transcript NM_006208.3 (MANE Select); coding-DNA position 2252, one base deleted (G; older notation c.2252delG).
Protein change: p.Gly751fs; shifts the reading frame from glycine 751.
Molecular consequence: frameshift variant.
Genome position (GRCh38, 1-based): chr6:131,883,715, G deleted; the last of 2 consecutive G bases (chr6:131,883,714-131,883,715); deleting either gives the same sequence. VCF-style (leftmost placement, unchanged base first): chr6-131883713-TG-T. GRCh37 (hg19) VCF-style: chr6-132204853-TG-T.
Other names: short protein forms G751fs.
Identifiers: ClinVar variation 2834666 (VCV002834666.3), dbSNP rs2483530034, ClinGen allele CA2578743264.

ClinVar aggregate classification (germline): Pathogenic (1 of 4 stars; one submission).

Submission:

Labcorp Genetics (formerly Invitae), Labcorp
Classification: Pathogenic. Last evaluated: 2023-02-04. Review status: criteria provided, single submitter. Criteria: Invitae Variant Classification Sherloc (09022015). Collection method: clinical testing. Allele origin: germline.
Comment: For these reasons, this variant has been classified as Pathogenic. This variant has not been reported in the literature in individuals affected with ENPP1-related conditions. This variant is not present in population databases (gnomAD no frequency). This sequence change creates a premature translational stop signal (p.Gly751Glufs*12) in the ENPP1 gene. It is expected to result in an absent or disrupted protein product. Loss-of-function variants in ENPP1 are known to be pathogenic (PMID: 12881724, 15605415, 16369898, 20016754, 20137773, 22539483).

Literature cited by the submitters: PubMed 12881724; PubMed 15605415; PubMed 16369898; PubMed 20016754; PubMed 20137773; PubMed 22539483.